The following is an entry in ClinVar:

ClinVar aggregate classification (germline): Likely benign. Review status: criteria provided, multiple submitters, no conflicts (2 of 4 stars). 3 submissions from 3 submitters: Likely benign (2). 1 of the submissions does not count toward it. Last evaluated 2025-12-28.

Conditions:
RELN-related disorder. Also called: RELN-related condition.
Familial temporal lobe epilepsy 7. Identifiers: Orphanet 101046, MedGen C4225327, MONDO:0014639, OMIM 616436.
Norman-Roberts syndrome (LIS2). Also called: Lissencephaly 2 (Norman-Roberts type). Identifiers: Orphanet 89844, MedGen C0796089, MONDO:0009760, OMIM 257320.

Allele frequency attached by ClinVar (database versions not stated): gnomAD 0.00005 and 0.00006; TOPMed 0.00005; gnomAD exomes 0.00006 and 0.00009; ExAC 0.00009; ESP Exome Variant Server 0.00015.
gnomAD v4.1: 99 of 1,613,716 alleles (0.0061%); highest among the groups gnomAD compares: Non-Finnish European, 0.0071%; no homozygotes.

Submissions (3):

Labcorp Genetics (formerly Invitae), Labcorp
Classification: Likely benign for Familial temporal lobe epilepsy 7; Norman-Roberts syndrome. Last evaluated: 2025-12-28. Review status: criteria provided, single submitter. Criteria: Invitae Variant Classification Sherloc (09022015). Collection method: clinical testing. Allele origin: germline.

Blueprint Genetics
Classification: Likely benign. Last evaluated: 2024-09-17. Review status: criteria provided, single submitter. Criteria: ACMG Guidelines, 2015. Collection method: clinical testing. Allele origin: germline.

PreventionGenetics, part of Exact Sciences
Classification: Likely benign for RELN-related condition. Last evaluated: 2024-04-02. Review status: no assertion criteria provided. Collection method: clinical testing. Allele origin: germline. Not counted in ClinVar's aggregate classification.
Comment: This variant is classified as likely benign based on ACMG/AMP sequence variant interpretation guidelines (Richards et al. 2015 PMID: 25741868, with internal and published modifications).

NM_005045.4(RELN):c.975A>G (p.Gln325=)

Gene: RELN (reelin; minus strand). Cytogenetic location: 7q22.1.
Variant type: single nucleotide variant.
Coding change: c.975A>G on transcript NM_005045.4 (MANE Select); coding-DNA position 975, A replaced by G.
Protein change: p.Gln325=; no amino-acid change (glutamine 325 retained).
Molecular consequence: synonymous variant.
Genome position (GRCh38, 1-based): chr7:103,698,021, T>C on the plus strand (A>G on the coding strand, the complement: RELN is on the minus strand). VCF-style: chr7-103698021-T-C. GRCh37 (hg19) VCF-style: chr7-103338468-T-C.
Other names: c.975A>G, p.Gln325= (NM_173054.3); c.975A>G (NM_005045.3).
Identifiers: ClinVar variation 1144733 (VCV001144733.12), dbSNP rs147568145, ClinGen allele CA4422387.